The following is an entry in ClinVar:

NM_000090.4(COL3A1):c.4358A>G (p.Asp1453Gly)

Gene: COL3A1 (collagen type III alpha 1 chain; plus strand). Cytogenetic location: 2q32.2.
Variant type: single nucleotide variant.
Coding change: c.4358A>G on transcript NM_000090.4 (MANE Select); coding-DNA position 4358, A replaced by G.
Protein change: p.Asp1453Gly; replaces aspartic acid 1453 with glycine.
Molecular consequence: missense variant.
Genome position (GRCh38, 1-based): chr2:189,011,731, A>G. VCF-style: chr2-189011731-A-G. GRCh37 (hg19) VCF-style: chr2-189876457-A-G.
Other names: short protein forms D1453G.
Identifiers: ClinVar variation 3386503 (VCV003386503.1).
Genomic context (GRCh38, chr2:189,011,731, plus strand): 5'-CACGCAAGGCTGTGAGACTACCTATTGTAGATATTGCACCCTATGACATTGGTGGTCCTG[A>G]TCAAGAATTTGGTGTGGACGTTGGCCCTGTTTGCTTTTTATAAACCAAACTCTATCTGAA-3'
Protein context (NP_000081.2, residues 1443-1463): DIAPYDIGGP[Asp1453Gly]QEFGVDVGPV

ClinVar aggregate classification (germline): Uncertain significance (1 of 4 stars; one submission).

Conditions:
Ehlers-Danlos syndrome, type 4 (EDSVASC). Also called: Ehlers-Danlos syndrome vascular type; Ehlers Danlos syndrome, ecchymotic type; Ehlers Danlos syndrome, arterial type; Ehlers Danlos syndrome, Sack-Barabas type; Ehlers-Danlos Syndrome Type IV. Identifiers: Orphanet 286, MedGen C0268338, MONDO:0017314, OMIM 130050.

Submission:

All of Us Research Program, National Institutes of Health
Classification: Uncertain significance for Ehlers-Danlos syndrome, type 4. Last evaluated: 2024-03-14. Review status: criteria provided, single submitter. Criteria: ACMG Guidelines, 2015. Collection method: clinical testing. Allele origin: germline. Inheritance: Autosomal dominant inheritance. Observed: 1 variant allele, 1 heterozygote.
Comment: This missense variant replaces aspartic acid with glycine at codon 1453 of the COL3A1 protein. Computational prediction is inconclusive regarding the impact of this variant on protein structure and function (internally defined REVEL score threshold 0.5 < inconclusive < 0.7, PMID: 27666373). To our knowledge, functional studies have not been reported for this variant. This variant has not been reported in individuals affected with COL3A1-related disorders in the literature. This variant has not been identified in the general population by the Genome Aggregation Database (gnomAD). The available evidence is insufficient to determine the role of this variant in disease conclusively. Therefore, this variant is classified as a Variant of Uncertain Significance.

This study involves interpretation of variants in research participants for the purpose of population health screening. Participant phenotype was not available at the time of variant classification. Additional details can be found in publication PMID: 35346344, PMCID: PMC8962531